The following is an entry in ClinVar:

ClinVar aggregate classification (germline): Conflicting classifications of pathogenicity. Review status: criteria provided, conflicting classifications (1 of 4 stars). 4 submissions from 4 submitters: Uncertain significance (1); Benign (1); Likely benign (2). Last evaluated 2026-07-26.

Conditions:
Melnick-Needles syndrome (MNS). Also called: Melnick-Needles Syndrome (FLNA-MNS); MELNICK-NEEDLES OSTEODYSPLASTY; OSTEODYSPLASTY OF MELNICK AND NEEDLES. Identifiers: Orphanet 2484, MedGen C0025237, MONDO:0010650, OMIM 309350.
Frontometaphyseal dysplasia (FMD1). Identifiers: Orphanet 1826, MedGen C0265293, MONDO:0015942.
Oto-palato-digital syndrome, type II (OPD2). Also called: Otopalatodigital Syndrome Type 2 (FLNA-OPD2); OPD II SYNDROME; Otopalatodigital Syndrome, Type II; FACIOPALATOOSSEOUS SYNDROME. Identifiers: Orphanet 669, Orphanet 90652, MedGen C1844696, MONDO:0010571, OMIM 304120.
Heterotopia, periventricular, X-linked dominant (PVNH1). Also called: PERIVENTRICULAR NODULAR HETEROTOPIA 1; PERIVENTRICULAR NODULAR HETEROTOPIA 4; HETEROTOPIA, PERIVENTRICULAR, 1; X-linked periventricular heterotopia. Identifiers: Orphanet 2149, Orphanet 82004, MedGen C1848213, MONDO:0010233, OMIM 300049.
FLNA-related disorder.

Allele frequency attached by ClinVar (database versions not stated): TOPMed 0.00001; gnomAD 0.00002 and 0.00004; gnomAD exomes 0.00005 and 0.00007; ExAC 0.00010.
gnomAD v4.1: 57 of 1,211,144 alleles (0.0047%); highest among the groups gnomAD compares: South Asian, 0.091%; no homozygotes.

Submissions (4):

PreventionGenetics, part of Exact Sciences
Classification: Likely benign for FLNA-related condition. Last evaluated: 2026-07-26. Review status: criteria provided, single submitter. Criteria: ACMG Guidelines, 2015. Collection method: clinical testing. Allele origin: germline.
Comment: This variant is classified as likely benign based on ACMG/AMP sequence variant interpretation guidelines (Richards et al. 2015 PMID: 25741868, with internal and published modifications).

Labcorp Genetics (formerly Invitae), Labcorp
Classification: Benign for Oto-palato-digital syndrome, type II; Heterotopia, periventricular, X-linked dominant; Frontometaphyseal dysplasia; Melnick-Needles syndrome. Last evaluated: 2025-11-06. Review status: criteria provided, single submitter. Criteria: Invitae Variant Classification Sherloc (09022015). Collection method: clinical testing. Allele origin: germline.

Blueprint Genetics
Classification: Likely benign. Last evaluated: 2024-09-05. Review status: criteria provided, single submitter. Criteria: ACMG Guidelines, 2015. Collection method: clinical testing. Allele origin: germline.

GeneDx
Classification: Uncertain significance. Last evaluated: 2019-10-10. Review status: criteria provided, single submitter. Criteria: GeneDx Variant Classification Process June 2021. Collection method: clinical testing. Allele origin: germline. Affected: yes.
Comment: In silico analysis, which includes protein predictors and evolutionary conservation, supports a deleterious effect; Has not been previously published as pathogenic or benign to our knowledge

NM_001110556.2(FLNA):c.7558C>T (p.Arg2520Cys)

Genes: FLNA (filamin A; minus strand), LOC107988032 (Xq28 proximal FLNA-EMD recombination region; plus strand). Cytogenetic location: Xq28.
Variant type: single nucleotide variant.
Coding change: c.7558C>T on transcript NM_001110556.2 (MANE Select); coding-DNA position 7558, C replaced by T.
Protein change: p.Arg2520Cys; replaces arginine 2520 with cysteine.
Molecular consequence: missense variant.
Genome position (GRCh38, 1-based): chrX:154,349,560, G>A on the plus strand (C>T on the coding strand, the complement: FLNA is on the minus strand). VCF-style: chrX-154349560-G-A. GRCh37 (hg19) VCF-style: chrX-153577928-G-A.
Other names: c.7534C>T, p.Arg2512Cys (NM_001456.4); c.7558C>T (NM_001110556.1); short protein forms R2512C, R2520C.
Identifiers: ClinVar variation 702664 (VCV000702664.14), dbSNP rs782244918, ClinGen allele CA10559869.